The following is an entry in ClinVar:

ClinVar aggregate classification (germline): Benign. Review status: criteria provided, multiple submitters, no conflicts (2 of 4 stars). 2 submissions from 2 submitters: Benign (2). Last evaluated 2018-06-18.

Allele frequency attached by ClinVar (database versions not stated): TOPMed 0.84411; 1000 Genomes Project 0.86781; 1000 Genomes Project 30x 0.86196.

Submissions (2):

GeneDx
Classification: Benign. Last evaluated: 2018-06-18. Review status: criteria provided, single submitter. Criteria: GeneDx Variant Classification (06012015). Collection method: clinical testing. Allele origin: germline. Affected: yes.
Comment: This variant is considered likely benign or benign based on one or more of the following criteria: it is a conservative change, it occurs at a poorly conserved position in the protein, it is predicted to be benign by multiple in silico algorithms, and/or has population frequency not consistent with disease.

Breakthrough Genomics
Classification: Benign. Review status: criteria provided, single submitter. Criteria: ACMG Guidelines, 2015. Collection method: not provided. Allele origin: germline. Inheritance: Unknown mechanism. Affected: yes.

NM_002907.3(RECQL):c.-586G>T

Gene: RECQL (RecQ like helicase; minus strand). Cytogenetic location: 12p12.1.
Variant type: single nucleotide variant.
Coding change: c.-586G>T on transcript NM_002907.3; 586 bases upstream of the start codon, G replaced by T.
Genome position (GRCh38, 1-based): chr12:21,501,710, C>A on the plus strand (G>T on the coding strand, the complement: RECQL is on the minus strand). VCF-style: chr12-21501710-C-A. GRCh37 (hg19) VCF-style: chr12-21654644-C-A.
Identifiers: ClinVar variation 679677 (VCV000679677.4), dbSNP rs1860947, ClinGen allele CA13615898.